The following is an entry in ClinVar:

ClinVar aggregate classification (germline): Uncertain significance (1 of 4 stars; one submission).

Conditions:
Genitopatellar syndrome (GTPTS). Also called: Genitopatellar syndrome (GPS); ABSENT PATELLAE, SCROTAL HYPOPLASIA, RENAL ANOMALIES, FACIAL DYSMORPHISM, AND MENTAL RETARDATION. Identifiers: Orphanet 85201, MedGen C1853566, MONDO:0011640, OMIM 606170.

Submission:

Labcorp Genetics (formerly Invitae), Labcorp
Classification: Uncertain significance for Genitopatellar syndrome. Last evaluated: 2023-05-15. Review status: criteria provided, single submitter. Criteria: Invitae Variant Classification Sherloc (09022015). Collection method: clinical testing. Allele origin: germline.
Comment: This variant is not present in population databases (gnomAD no frequency). This sequence change affects a donor splice site in intron 6 of the KAT6B gene. However, it is currently unclear if variants that occur in this region of the gene cause disease. In summary, the available evidence is currently insufficient to determine the role of this variant in disease. Therefore, it has been classified as a Variant of Uncertain Significance. Variants that disrupt the consensus splice site are a relatively common cause of aberrant splicing (PMID: 17576681, 9536098). Algorithms developed to predict the effect of sequence changes on RNA splicing suggest that this variant may disrupt the consensus splice site. ClinVar contains an entry for this variant (Variation ID: 2035418). This variant has not been reported in the literature in individuals affected with KAT6B-related conditions.

Literature cited by the submitters: PubMed 17576681; PubMed 9536098.

NM_012330.4(KAT6B):c.928+1G>T

Gene: KAT6B (lysine acetyltransferase 6B; plus strand). Cytogenetic location: 10q22.2.
Variant type: single nucleotide variant.
Coding change: c.928+1G>T on transcript NM_012330.4 (MANE Select); the canonical splice donor site of the intron after coding-DNA position 928, G replaced by T.
Molecular consequence: splice donor variant. On other transcripts: intron variant (3).
Genome position (GRCh38, 1-based): chr10:74,970,102, G>T. VCF-style: chr10-74970102-G-T. GRCh37 (hg19) VCF-style: chr10-76729860-G-T.
Other names: c.928+1G>T (NM_001370139.1, NM_001370136.1, NM_001370138.1 and 9 more transcripts); c.846+327G>T (NM_001370133.1); c.193-9122G>T (NM_001370134.1); c.192+10024G>T (NM_001370135.1).
Identifiers: ClinVar variation 2035418 (VCV002035418.4), dbSNP rs1841749398, ClinGen allele CA377282700.